The following is an entry in ClinVar:

NM_001302371.3(NBPF10):c.1114G>A (p.Ala372Thr)

Gene: NBPF10 (NBPF member 10; minus strand). Cytogenetic location: 1q21.1.
Variant type: single nucleotide variant.
Coding change: c.1114G>A on transcript NM_001302371.3 (MANE Select); coding-DNA position 1114, G replaced by A.
Protein change: p.Ala372Thr; replaces alanine 372 with threonine.
Molecular consequence: missense variant.
Genome position (GRCh38, 1-based): chr1:146,135,499, C>T on the plus strand (G>A on the coding strand, the complement: NBPF10 is on the minus strand). VCF-style: chr1-146135499-C-T. GRCh37 (hg19) VCF-style: chr1-145302676-G-A.
Other names: c.1114G>A, p.Ala372Thr (NM_001039703.6); short protein forms A372T.
Identifiers: ClinVar variation 2639084 (VCV002639084.24), dbSNP rs200242621, ClinGen allele CA1051474.

ClinVar aggregate classification (germline): Likely benign (1 of 4 stars; one submission).

Submission:

CeGaT Center for Human Genetics Tuebingen
Classification: Likely benign. Last evaluated: 2023-01-01. Review status: criteria provided, single submitter. Criteria: CeGaT Center For Human Genetics Tuebingen Variant Classification Criteria Version 2. Collection method: clinical testing. Allele origin: germline. Affected: yes. Observed: 1 variant allele.
Comment: NBPF10: BP4, BS2